The following is an entry in ClinVar:

NM_002354.3(EPCAM):c.634G>A (p.Val212Met)

Gene: EPCAM (epithelial cell adhesion molecule; plus strand). Cytogenetic location: 2p21.
Variant type: single nucleotide variant.
Coding change: c.634G>A on transcript NM_002354.3 (MANE Select); coding-DNA position 634, G replaced by A.
Protein change: p.Val212Met; replaces valine 212 with methionine.
Molecular consequence: missense variant.
Genome position (GRCh38, 1-based): chr2:47,379,031, G>A. VCF-style: chr2-47379031-G-A. GRCh37 (hg19) VCF-style: chr2-47606170-G-A.
Other names: short protein forms V212M.
Identifiers: ClinVar variation 4018568 (VCV004018568.1).

ClinVar aggregate classification (germline): Uncertain significance (1 of 4 stars; one submission).

Conditions:
Hereditary cancer-predisposing syndrome. Also called: Tumor predisposition; Hereditary neoplastic syndrome; Neoplastic Syndromes, Hereditary; Hereditary Cancer Syndrome. Identifiers: Orphanet 140162, MedGen C0027672, MeSH D009386, MONDO:0015356.

Submission:

Ambry Genetics
Classification: Uncertain significance for Hereditary cancer-predisposing syndrome. Last evaluated: 2025-04-18. Review status: criteria provided, single submitter. Criteria: Ambry Variant Classification Scheme 2023. Collection method: clinical testing. Allele origin: germline.
Comment: The p.V212M variant (also known as c.634G>A), located in coding exon 6 of the EPCAM gene, results from a G to A substitution at nucleotide position 634. The valine at codon 212 is replaced by methionine, an amino acid with highly similar properties. This amino acid position is conserved. In addition, this alteration is predicted to be tolerated by in silico analysis. Based on the available evidence, the clinical significance of this variant remains unclear.